The following is an entry in ClinVar:

NM_014915.3(ANKRD26):c.4568A>G (p.Lys1523Arg)

Gene: ANKRD26 (ankyrin repeat domain 26; minus strand). Cytogenetic location: 10p12.1.
Variant type: single nucleotide variant.
Coding change: c.4568A>G on transcript NM_014915.3 (MANE Select); coding-DNA position 4568, A replaced by G.
Protein change: p.Lys1523Arg; replaces lysine 1523 with arginine.
Molecular consequence: missense variant.
Genome position (GRCh38, 1-based): chr10:27,014,650, T>C on the plus strand (A>G on the coding strand, the complement: ANKRD26 is on the minus strand). VCF-style: chr10-27014650-T-C. GRCh37 (hg19) VCF-style: chr10-27303579-T-C.
Other names: c.4565A>G, p.Lys1522Arg (NM_001256053.2); short protein forms K1523R, K1522R.
Identifiers: ClinVar variation 2397658 (VCV002397658.8), dbSNP rs765610106, ClinGen allele CA5447761.

ClinVar aggregate classification (germline): Conflicting classifications of pathogenicity. Review status: criteria provided, conflicting classifications (1 of 4 stars). 3 submissions from 3 submitters: Uncertain significance (2); Likely benign (1). Last evaluated 2025-11-23.

Conditions:
Inborn genetic diseases. Identifiers: MedGen C0950123, MeSH D030342.

Allele frequency attached by ClinVar (database versions not stated): gnomAD 0.00006; TOPMed 0.00007; ExAC 0.00002; gnomAD exomes 0.00011.
gnomAD v4.1: 175 of 1,613,448 alleles (0.011%); highest among the groups gnomAD compares: Non-Finnish European, 0.014%; no homozygotes.

Submissions (3):

Labcorp Genetics (formerly Invitae), Labcorp
Classification: Uncertain significance. Last evaluated: 2025-11-23. Review status: criteria provided, single submitter. Criteria: Invitae Variant Classification Sherloc (09022015). Collection method: clinical testing. Allele origin: germline.
Comment: This sequence change replaces lysine, which is basic and polar, with arginine, which is basic and polar, at codon 1523 of the ANKRD26 protein (p.Lys1523Arg). This variant is present in population databases (rs765610106, gnomAD 0.006%). This variant has not been reported in the literature in individuals affected with ANKRD26-related conditions. ClinVar contains an entry for this variant (Variation ID: 2397658). An algorithm developed to predict the effect of missense changes on protein structure and function outputs the following: PolyPhen-2: "Benign". The arginine amino acid residue is found in multiple mammalian species, which suggests that this missense change does not adversely affect protein function. In summary, the available evidence is currently insufficient to determine the role of this variant in disease. Therefore, it has been classified as a Variant of Uncertain Significance.

GeneDx
Classification: Uncertain significance. Last evaluated: 2025-08-26. Review status: criteria provided, single submitter. Criteria: GeneDx Variant Classification Process June 2021. Collection method: clinical testing. Allele origin: germline.
Comment: In silico analysis suggests that this missense variant does not alter protein structure/function; Has not been previously published as pathogenic or benign to our knowledge

Ambry Genetics
Classification: Likely benign for Inborn genetic diseases. Last evaluated: 2024-11-25. Review status: criteria provided, single submitter. Criteria: Ambry Variant Classification Scheme 2023. Collection method: clinical testing. Allele origin: germline.